The following is an entry in ClinVar:

ClinVar aggregate classification (germline): Pathogenic (1 of 4 stars; one submission).

Conditions:
Hereditary diffuse gastric adenocarcinoma (HDGC). Also called: DIFFUSE GASTRIC AND LOBULAR BREAST CANCER SYNDROME. Identifiers: Orphanet 26106, MedGen C1708349, MONDO:0007648, OMIM 137215.

Submission:

Myriad Genetics, Inc.
Classification: Pathogenic for Hereditary diffuse gastric adenocarcinoma. Last evaluated: 2023-06-14. Review status: criteria provided, single submitter. Criteria: Myriad Autosomal Dominant, Autosomal Recessive and X-Linked Classification Criteria (2023). Collection method: clinical testing. Allele origin: unknown.
Comment: This variant is considered pathogenic. This variant creates a frameshift predicted to result in premature protein truncation.

NM_004360.5(CDH1):c.1544_1545del (p.Thr515fs)

Gene: CDH1 (cadherin 1; plus strand). Cytogenetic location: 16q22.1.
Variant type: Microsatellite.
Coding change: c.1544_1545del on transcript NM_004360.5 (MANE Select); coding-DNA positions 1544 to 1545, 2 bases deleted (CA; older notation c.1544_1545delCA).
Protein change: p.Thr515fs; shifts the reading frame from threonine 515.
Molecular consequence: frameshift variant. On other transcripts: 5 prime UTR variant (2).
Genome position (GRCh38, 1-based): chr16:68,815,738-68,815,739, CA deleted; deleting any 2 consecutive bases within chr16:68,815,735-68,815,739 gives the same sequence; the c. name uses the placement nearest the transcript's 3' end. VCF-style (leftmost placement, unchanged base first): chr16-68815734-GAC-G. GRCh37 (hg19) VCF-style: chr16-68849637-GAC-G.
Other names: c.1361_1362del, p.Thr454fs (NM_001317184.2); c.-7CA[1] (NM_001317185.2); c.-278CA[1] (NM_001317186.2); short protein forms T454fs, T515fs.
Identifiers: ClinVar variation 2583797 (VCV002583797.2), dbSNP rs2543931406, ClinGen allele CA2582342598.
Genomic context (GRCh38, chr16:68,815,734, plus strand): 5'-GAAGTGTCCGAGGACTTTGGCGTGGGCCAGGAAATCACATCCTACACTGCCCAGGAGCCA[GAC>G]ACATTTATGGAACAGAAAATAACGTAAGTGTGAGGATTTTTCAACTGACTTGCAGCAACT-3'